The following is an entry in ClinVar:

NM_000921.5(PDE3A):c.296A>C (p.Glu99Ala)

Genes: PDE3A (phosphodiesterase 3A; plus strand), PDE3A-AS1 (PDE3A antisense RNA 1; minus strand), LOC124625920 (Sharpr-MPRA regulatory region 8059; plus strand). Cytogenetic location: 12p12.2.
Variant type: single nucleotide variant.
Coding change: c.296A>C on transcript NM_000921.5 (MANE Select); coding-DNA position 296, A replaced by C.
Protein change: p.Glu99Ala; replaces glutamic acid 99 with alanine.
Molecular consequence: missense variant. On other transcripts: 5 prime UTR variant (1).
Genome position (GRCh38, 1-based): chr12:20,369,580, A>C. VCF-style: chr12-20369580-A-C. GRCh37 (hg19) VCF-style: chr12-20522514-A-C.
Other names: c.296A>C, p.Glu99Ala (NM_001378407.1); c.-733A>C (NM_001378408.1); short protein forms E99A.
Identifiers: ClinVar variation 778443 (VCV000778443.31), dbSNP rs201132768, ClinGen allele CA6473383.
Genomic context (GRCh38, chr12:20,369,580, plus strand): 5'-GGCTGGTCCGCGGGGAGGTCGGCTGTGACCTGGAGCAGTGTAAGGAGGCGGCGGCGGCGG[A>C]GGAGGAGGAAGCAGCCCCGGGAGCAGAAGGGGGCGTCTTCCCGGGGCCTCGGGGAGGTGC-3'
Protein context (NP_000912.3, residues 89-109): LEQCKEAAAA[Glu99Ala]EEEAAPGAEG

ClinVar aggregate classification (germline): Benign/Likely benign. Review status: criteria provided, multiple submitters, no conflicts (2 of 4 stars). 4 submissions from 4 submitters: Benign (2); Likely benign (2). Last evaluated 2026-01-21.

Allele frequency attached by ClinVar (database versions not stated): ExAC 0.00234; ESP Exome Variant Server 0.00289; gnomAD exomes 0.00297; 1000 Genomes Project 0.00319; 1000 Genomes Project 30x 0.00359; gnomAD 0.00464 and 0.00487; TOPMed 0.00467.
gnomAD v4.1: 5,621 of 1,554,610 alleles (0.36%); highest among the groups gnomAD compares: African/African-American, 0.75%; 19 homozygotes.

Submissions (4):

Labcorp Genetics (formerly Invitae), Labcorp
Classification: Benign. Last evaluated: 2026-01-21. Review status: criteria provided, single submitter. Criteria: Invitae Variant Classification Sherloc (09022015). Collection method: clinical testing. Allele origin: germline.

Blueprint Genetics
Classification: Likely benign. Last evaluated: 2024-11-17. Review status: criteria provided, single submitter. Criteria: ACMG Guidelines, 2015. Collection method: clinical testing. Allele origin: germline.

CeGaT Center for Human Genetics Tuebingen
Classification: Likely benign. Last evaluated: 2024-05-01. Review status: criteria provided, single submitter. Criteria: CeGaT Center For Human Genetics Tuebingen Variant Classification Criteria Version 2. Collection method: clinical testing. Allele origin: germline. Affected: yes. Observed: 1 variant allele.
Comment: PDE3A: BS2

Breakthrough Genomics
Classification: Benign. Review status: criteria provided, single submitter. Criteria: ACMG Guidelines, 2015. Collection method: not provided. Allele origin: germline. Inheritance: Autosomal dominant inheritance. Affected: yes.